The following is an entry in ClinVar:

NM_000368.5(TSC1):c.2622A>G (p.Thr874=)

Gene: TSC1 (TSC complex subunit 1; minus strand). Cytogenetic location: 9q34.13.
Variant type: single nucleotide variant.
Coding change: c.2622A>G on transcript NM_000368.5 (MANE Select); coding-DNA position 2622, A replaced by G.
Protein change: p.Thr874=; no amino-acid change (threonine 874 retained).
Molecular consequence: synonymous variant.
Genome position (GRCh38, 1-based): chr9:132,900,718, T>C on the plus strand (A>G on the coding strand, the complement: TSC1 is on the minus strand). VCF-style: chr9-132900718-T-C. GRCh37 (hg19) VCF-style: chr9-135776105-T-C.
Other names: c.2622A>G (NM_000368.4); c.2619A>G, p.Thr873= (NM_001162426.2); c.2469A>G, p.Thr823= (NM_001162427.2); c.2259A>G, p.Thr753= (NM_001362177.2).
Identifiers: ClinVar variation 1654780 (VCV001654780.11), dbSNP rs2131684460, ClinGen allele CA467594432.
Genomic context (GRCh38, chr9:132,900,718, plus strand): 5'-CTGTCTGGGTCTGAAACGCTTTCCCCACTAAGGTCTGGCTCCCGAGCCCTGGCATACCTT[T>C]GTGGTATCTGAGTGCTTGTTCTGCAGTTGTTCCAAATAGAGCTCGTTGACCTCCCCAAGA-3'
Protein context (NP_000359.1, residues 864-884): EQLQNKHSDT[Thr874=]KEVEMMKAAY

ClinVar aggregate classification (germline): Benign/Likely benign. Review status: criteria provided, multiple submitters, no conflicts (2 of 4 stars). 5 submissions from 5 submitters: Benign (1); Likely benign (4). Last evaluated 2026-01-19.

Conditions:
Hereditary cancer-predisposing syndrome. Also called: Hereditary Cancer Syndrome; Neoplastic Syndromes, Hereditary; Hereditary neoplastic syndrome; Tumor predisposition. Identifiers: Orphanet 140162, MedGen C0027672, MeSH D009386, MONDO:0015356.
Tuberous sclerosis syndrome (TSC). Also called: Tuberous Sclerosis Complex; Tuberous sclerosis. Identifiers: Orphanet 805, MedGen C0041341, MONDO:0001734.
Tuberous sclerosis 1 (TSC1). Identifiers: Orphanet 805, MedGen C1854465, MONDO:0008612, OMIM 191100.

Allele frequency attached by ClinVar (database versions not stated): gnomAD exomes below 0.00001.
gnomAD v4.1: 2 of 1,614,122 alleles (0.00012%); highest among the groups gnomAD compares: Non-Finnish European, 0.00017%; no homozygotes.

Submissions (5):

Labcorp Genetics (formerly Invitae), Labcorp
Classification: Likely benign for Tuberous sclerosis 1. Last evaluated: 2026-01-19. Review status: criteria provided, single submitter. Criteria: Invitae Variant Classification Sherloc (09022015). Collection method: clinical testing. Allele origin: germline.

Myriad Genetics, Inc.
Classification: Benign for Tuberous sclerosis 1. Last evaluated: 2025-04-28. Review status: criteria provided, single submitter. Criteria: Myriad Autosomal Dominant, Autosomal Recessive and X-Linked Classification Criteria (2023). Collection method: clinical testing. Allele origin: unknown.
Comment: This variant is considered benign. This variant is a silent/synonymous amino acid change and it is not expected to impact splicing.

Ambry Genetics
Classification: Likely benign for Hereditary cancer-predisposing syndrome. Last evaluated: 2024-05-10. Review status: criteria provided, single submitter. Criteria: Ambry Variant Classification Scheme 2023. Collection method: clinical testing. Allele origin: germline.

All of Us Research Program, National Institutes of Health
Classification: Likely benign for Tuberous sclerosis syndrome. Last evaluated: 2023-10-02. Review status: criteria provided, single submitter. Criteria: ACMG Guidelines, 2015. Collection method: clinical testing. Allele origin: germline. Inheritance: Autosomal dominant inheritance. Observed: 1 variant allele, 1 heterozygote.
Comment: This study involves interpretation of variants in research participants for the purpose of population health screening. Participant phenotype was not available at the time of variant classification. Additional details can be found in publication PMID: 35346344, PMCID: PMC8962531

Color Diagnostics, LLC DBA Color Health
Classification: Likely benign for Tuberous sclerosis syndrome. Last evaluated: 2022-11-06. Review status: criteria provided, single submitter. Criteria: ACMG Guidelines, 2015. Collection method: clinical testing. Allele origin: germline.